The following is an entry in ClinVar:

NM_005633.4(SOS1):c.2511-8dup

Gene: SOS1 (SOS Ras/Rac guanine nucleotide exchange factor 1; minus strand). Cytogenetic location: 2p22.1.
Variant type: Duplication.
Coding change: c.2511-8dup on transcript NM_005633.4 (MANE Select); 8 bases into the intron before coding-DNA position 2511, one base duplicated (A; older notation c.2511-8dupA).
Molecular consequence: intron variant.
Genome position (GRCh38, 1-based): chr2:39,007,201, T duplicated on the plus strand (A on the coding strand, the reverse complement: SOS1 is on the minus strand). VCF-style (leftmost placement, unchanged base first): chr2-39007200-A-AT. GRCh37 (hg19) VCF-style: chr2-39234341-A-AT.
Other names: c.2511-8dupA (NM_005633.3); c.2490-8dup (NM_001382394.1); c.2511-8dup (NM_001382395.1).
Identifiers: ClinVar variation 1139605 (VCV001139605.10), dbSNP rs754764762, ClinGen allele CA1624389.

ClinVar aggregate classification (germline): Likely benign. Review status: criteria provided, multiple submitters, no conflicts (2 of 4 stars). 2 submissions from 2 submitters: Likely benign (2). Last evaluated 2026-04-17.

Conditions:
RASopathy. Also called: rasopathies; Noonan spectrum disorder. Identifiers: Orphanet 536391, MedGen C5555857, MONDO:0021060.
SOS1-related disorder. Also called: SOS1-related condition.

Allele frequency attached by ClinVar (database versions not stated): gnomAD exomes below 0.00001; ExAC 0.00001; TOPMed 0.00002; gnomAD 0.00003 and 0.00004.

Submissions (2):

PreventionGenetics, part of Exact Sciences
Classification: Likely benign for SOS1-related condition. Last evaluated: 2026-04-17. Review status: criteria provided, single submitter. Criteria: ACMG Guidelines, 2015. Collection method: clinical testing. Allele origin: germline.
Comment: This variant is classified as likely benign based on ACMG/AMP sequence variant interpretation guidelines (Richards et al. 2015 PMID: 25741868, with internal and published modifications).

Labcorp Genetics (formerly Invitae), Labcorp
Classification: Likely benign for RASopathy. Last evaluated: 2025-12-20. Review status: criteria provided, single submitter. Criteria: Invitae Variant Classification Sherloc (09022015). Collection method: clinical testing. Allele origin: germline.